The following is an entry in ClinVar:

ClinVar aggregate classification (germline): Uncertain significance (1 of 4 stars; one submission).

Conditions:
Progressive myoclonic epilepsy type 7. Identifiers: Orphanet 435438, MedGen C4015420, MONDO:0014521, OMIM 616187.

Submission:

Labcorp Genetics (formerly Invitae), Labcorp
Classification: Uncertain significance for Progressive myoclonic epilepsy type 7. Last evaluated: 2023-08-27. Review status: criteria provided, single submitter. Criteria: Invitae Variant Classification Sherloc (09022015). Collection method: clinical testing. Allele origin: germline.
Comment: This sequence change replaces threonine, which is neutral and polar, with proline, which is neutral and non-polar, at codon 337 of the KCNC1 protein (p.Thr337Pro). In summary, the available evidence is currently insufficient to determine the role of this variant in disease. Therefore, it has been classified as a Variant of Uncertain Significance. Advanced modeling of protein sequence and biophysical properties (such as structural, functional, and spatial information, amino acid conservation, physicochemical variation, residue mobility, and thermodynamic stability) performed at Invitae indicates that this missense variant is expected to disrupt KCNC1 protein function. This variant has not been reported in the literature in individuals affected with KCNC1-related conditions. This variant is not present in population databases (gnomAD no frequency).

NM_001112741.2(KCNC1):c.1009A>C (p.Thr337Pro)

Gene: KCNC1 (potassium voltage-gated channel subfamily C member 1; plus strand). Cytogenetic location: 11p15.1.
Variant type: single nucleotide variant.
Coding change: c.1009A>C on transcript NM_001112741.2 (MANE Select); coding-DNA position 1009, A replaced by C.
Protein change: p.Thr337Pro; replaces threonine 337 with proline.
Molecular consequence: missense variant.
Genome position (GRCh38, 1-based): chr11:17,772,103, A>C. VCF-style: chr11-17772103-A-C. GRCh37 (hg19) VCF-style: chr11-17793650-A-C.
Other names: c.1009A>C, p.Thr337Pro (NM_004976.4); short protein forms T337P.
Identifiers: ClinVar variation 2755456 (VCV002755456.3), dbSNP rs1590106636, ClinGen allele CA379807339.